The following is an entry in ClinVar:

ClinVar aggregate classification (germline): Conflicting classifications of pathogenicity. Review status: criteria provided, conflicting classifications (1 of 4 stars). 6 submissions from 6 submitters: Likely pathogenic (2); Uncertain significance (3). 1 of the submissions does not count toward it. Last evaluated 2023-09-01.

Conditions:
Ornithine aminotransferase deficiency (GACR). Also called: OKT DEFICIENCY; Ornithine ketoacid aminotransferase deficiency; Gyrate atrophy; Gyrate atrophy of choroid and retina; Girate atrophy of the retina; HYPERORNITHINEMIA WITH GYRATE ATROPHY OF CHOROID AND RETINA. Identifiers: Orphanet 414, MedGen C0018425, MONDO:0009796, OMIM 258870.

Allele frequency attached by ClinVar (database versions not stated): ExAC 0.00001; gnomAD 0.00001; gnomAD exomes 0.00001 and 0.00002.
gnomAD v4.1: 6 of 1,613,992 alleles (0.00037%); highest among the groups gnomAD compares: Admixed American, 0.01%; no homozygotes.

Submissions (6):

Revvity Omics, Revvity
Classification: Likely pathogenic for Ornithine aminotransferase deficiency. Last evaluated: 2023-09-01. Review status: criteria provided, single submitter. Criteria: ACMG Guidelines, 2015. Collection method: clinical testing. Allele origin: germline.

Baylor Genetics
Classification: Likely pathogenic for Ornithine aminotransferase deficiency. Last evaluated: 2023-06-03. Review status: criteria provided, single submitter. Criteria: ACMG Guidelines, 2015. Collection method: clinical testing. Allele origin: unknown.

Fulgent Genetics
Classification: Uncertain significance for Ornithine aminotransferase deficiency. Last evaluated: 2021-12-06. Review status: criteria provided, single submitter. Criteria: ACMG Guidelines, 2015. Collection method: clinical testing. Allele origin: unknown.

Labcorp Genetics (formerly Invitae), Labcorp
Classification: Uncertain significance for Ornithine aminotransferase deficiency. Last evaluated: 2021-09-01. Review status: criteria provided, single submitter. Criteria: Invitae Variant Classification Sherloc (09022015). Collection method: clinical testing. Allele origin: germline.
Comment: This sequence change replaces glutamine with arginine at codon 233 of the OAT protein (p.Gln233Arg). The glutamine residue is highly conserved and there is a small physicochemical difference between glutamine and arginine. This variant is present in population databases (rs386833615, ExAC 0.009%). This missense change has been observed in individuals with gyrate atrophy (PMID: 1427882; Invitae). ClinVar contains an entry for this variant (Variation ID: 56133). Algorithms developed to predict the effect of missense changes on protein structure and function are either unavailable or do not agree on the potential impact of this missense change (SIFT: "Deleterious"; PolyPhen-2: "Probably Damaging"; Align-GVGD: "Class C0"). In summary, the available evidence is currently insufficient to determine the role of this variant in disease. Therefore, it has been classified as a Variant of Uncertain Significance.

Blueprint Genetics
Classification: Uncertain significance. Last evaluated: 2019-07-23. Review status: criteria provided, single submitter. Criteria: ACMG Guidelines, 2015. Collection method: clinical testing. Allele origin: germline.

Juha Muilu Group; Institute for Molecular Medicine Finland (FIMM)
Classification: Likely pathogenic for Ornithine aminotransferase deficiency. Review status: no assertion criteria provided. Collection method: not provided. Allele origin: unknown. Not counted in ClinVar's aggregate classification.
Comment: FinDis database variant: This variant was not found or characterized by our laboratory, data were collected from public sources: see reference
ClinVar note: Converted during submission from probable-pathogenic to Likely pathogenic.

Literature cited by the submitters: PubMed 1427882 (cited by Labcorp Genetics (formerly Invitae), Labcorp).

NM_000274.4(OAT):c.698A>G (p.Gln233Arg)

Genes: OAT (ornithine aminotransferase; minus strand), LOC121815974 (Sharpr-MPRA regulatory region 15365; plus strand). Cytogenetic location: 10q26.13.
Variant type: single nucleotide variant.
Coding change: c.698A>G on transcript NM_000274.4 (MANE Select); coding-DNA position 698, A replaced by G.
Protein change: p.Gln233Arg; replaces glutamine 233 with arginine.
Molecular consequence: missense variant.
Genome position (GRCh38, 1-based): chr10:124,403,871, T>C on the plus strand (A>G on the coding strand, the complement: OAT is on the minus strand). VCF-style: chr10-124403871-T-C. GRCh37 (hg19) VCF-style: chr10-126092440-T-C.
Other names: c.284A>G, p.Gln95Arg (NM_001171814.2); c.698A>G, p.Gln233Arg (NM_001322965.2, NM_001322966.2, NM_001322967.2 and 3 more transcripts); c.377A>G, p.Gln126Arg (NM_001322971.2); c.98A>G, p.Gln33Arg (NM_001322974.2); short protein forms Q233R, Q95R, Q33R, Q126R.
Identifiers: ClinVar variation 56133 (VCV000056133.13), dbSNP rs386833615, ClinGen allele CA144171.